The following is an entry in ClinVar:

ClinVar aggregate classification (germline): Uncertain significance. Review status: criteria provided, multiple submitters, no conflicts (2 of 4 stars). 2 submissions from 2 submitters: Uncertain significance (2). Last evaluated 2026-02-18.

Conditions:
Malignant tumor of urinary bladder. Also called: Bladder cancer; Urinary bladder cancer; Urinary Bladder Neoplasms. Identifiers: MedGen C0005684, MONDO:0001187, OMIM 109800.
Hereditary cancer-predisposing syndrome. Also called: Tumor predisposition; Hereditary Cancer Syndrome; Hereditary neoplastic syndrome; Neoplastic Syndromes, Hereditary. Identifiers: Orphanet 140162, MedGen C0027672, MeSH D009386, MONDO:0015356.

Submissions (2):

Ambry Genetics
Classification: Uncertain significance for Hereditary cancer-predisposing syndrome. Last evaluated: 2026-02-18. Review status: criteria provided, single submitter. Criteria: Ambry Variant Classification Scheme 2023. Collection method: clinical testing. Allele origin: germline.
Comment: The p.V222I variant (also known as c.664G>A), located in coding exon 7 of the RB1 gene, results from a G to A substitution at nucleotide position 664. The valine at codon 222 is replaced by isoleucine, an amino acid with highly similar properties. This amino acid position is well conserved in available vertebrate species. In addition, this alteration is predicted to be tolerated by in silico analysis. Based on the available evidence, the clinical significance of this variant remains unclear.

Baylor Genetics
Classification: Uncertain significance for Malignant tumor of urinary bladder. Last evaluated: 2023-11-26. Review status: criteria provided, single submitter. Criteria: ACMG Guidelines, 2015. Collection method: clinical testing. Allele origin: unknown.

NM_000321.3(RB1):c.664G>A (p.Val222Ile)

Gene: RB1 (RB transcriptional corepressor 1; plus strand). Cytogenetic location: 13q14.2.
Variant type: single nucleotide variant.
Coding change: c.664G>A on transcript NM_000321.3 (MANE Select); coding-DNA position 664, G replaced by A.
Protein change: p.Val222Ile; replaces valine 222 with isoleucine.
Molecular consequence: missense variant.
Genome position (GRCh38, 1-based): chr13:48,360,073, G>A. VCF-style: chr13-48360073-G-A. GRCh37 (hg19) VCF-style: chr13-48934209-G-A.
Other names: c.664G>A, p.Val222Ile (NM_001407165.1, NM_001407166.1); short protein forms V222I.
Identifiers: ClinVar variation 3240297 (VCV003240297.2), dbSNP rs2138107813.